The following is an entry in ClinVar:

ClinVar aggregate classification (germline): Uncertain significance (1 of 4 stars; one submission).

gnomAD v4.1: 7 of 1,614,188 alleles (0.00043%); highest among the groups gnomAD compares: East Asian, 0.016%; no homozygotes.

Submission:

Labcorp Genetics (formerly Invitae), Labcorp
Classification: Uncertain significance. Last evaluated: 2021-06-19. Review status: criteria provided, single submitter. Criteria: Invitae Variant Classification Sherloc (09022015). Collection method: clinical testing. Allele origin: germline.
Comment: This variant has not been reported in the literature in individuals with SPTBN2-related conditions. This variant is not present in population databases (ExAC no frequency). This sequence change replaces alanine with valine at codon 1209 of the SPTBN2 protein (p.Ala1209Val). The alanine residue is moderately conserved and there is a small physicochemical difference between alanine and valine. In summary, the available evidence is currently insufficient to determine the role of this variant in disease. Therefore, it has been classified as a Variant of Uncertain Significance. Advanced modeling of protein sequence and biophysical properties (such as structural, functional, and spatial information, amino acid conservation, physicochemical variation, residue mobility, and thermodynamic stability) performed at Invitae indicates that this missense variant is not expected to disrupt SPTBN2 protein function.

NM_006946.4(SPTBN2):c.3626C>T (p.Ala1209Val)

Gene: SPTBN2 (spectrin beta, non-erythrocytic 2; minus strand). Cytogenetic location: 11q13.2.
Variant type: single nucleotide variant.
Coding change: c.3626C>T on transcript NM_006946.4 (MANE Select); coding-DNA position 3626, C replaced by T.
Protein change: p.Ala1209Val; replaces alanine 1209 with valine.
Molecular consequence: missense variant.
Genome position (GRCh38, 1-based): chr11:66,699,556, G>A on the plus strand (C>T on the coding strand, the complement: SPTBN2 is on the minus strand). VCF-style: chr11-66699556-G-A. GRCh37 (hg19) VCF-style: chr11-66467027-G-A.
Other names: short protein forms A1209V.
Identifiers: ClinVar variation 1363026 (VCV001363026.8), dbSNP rs778424143, ClinGen allele CA381472501.
Genomic context (GRCh38, chr11:66,699,556, plus strand): 5'-TGGATCCGTTCCCCATTGGCGTCCATGGTGCTCATGAAGTCCTCCAGTTTTTTAATGGCA[G>A]CATCAGCAGCCTGGAGTGTCCCTGGCATCTCCGTGTGAGACAGAACATATTCCTGTGTGG-3'
Protein context (NP_008877.2, residues 1199-1219): EMPGTLQAAD[Ala1209Val]AIKKLEDFMS